The following is an entry in ClinVar:

ClinVar aggregate classification (germline): Pathogenic (1 of 4 stars; one submission).

Submission:

Labcorp Genetics (formerly Invitae), Labcorp
Classification: Pathogenic. Last evaluated: 2021-12-21. Review status: criteria provided, single submitter. Criteria: Invitae Variant Classification Sherloc (09022015). Collection method: clinical testing. Allele origin: germline.
Comment: This sequence change creates a premature translational stop signal (p.Gln178Profs*13) in the GRHPR gene. It is expected to result in an absent or disrupted protein product. Loss-of-function variants in GRHPR are known to be pathogenic (PMID: 25644115). For these reasons, this variant has been classified as Pathogenic. This variant has not been reported in the literature in individuals affected with GRHPR-related conditions. This variant is not present in population databases (gnomAD no frequency).

Literature cited by the submitters: PubMed 25644115.

NM_012203.2(GRHPR):c.532dup (p.Gln178fs)

Gene: GRHPR (glyoxylate and hydroxypyruvate reductase; plus strand). Cytogenetic location: 9p13.2.
Variant type: Duplication.
Coding change: c.532dup on transcript NM_012203.2 (MANE Select); coding-DNA position 532, one base duplicated (C; older notation c.532dupC).
Protein change: p.Gln178fs; shifts the reading frame from glutamine 178.
Molecular consequence: frameshift variant.
Genome position (GRCh38, 1-based): chr9:37,429,770, C duplicated; the last of 2 consecutive C bases (chr9:37,429,769-37,429,770); duplicating either gives the same sequence. VCF-style (leftmost placement, unchanged base first): chr9-37429768-T-TC. GRCh37 (hg19) VCF-style: chr9-37429765-T-TC.
Other names: short protein forms Q178fs.
Identifiers: ClinVar variation 1416063 (VCV001416063.6), dbSNP rs2118880130, ClinGen allele CA2573144556.
Genomic context (GRCh38, chr9:37,429,768, plus strand): 5'-AGACATGGACTCTCCTTGCTCTAGGCCAGGCCATTGCTCGGCGTCTGAAACCATTCGGTG[T>TC]CCAGAGATTTCTGTACACAGGGCGCCAGCCCAGGCCTGAGGAAGCAGCAGAATTCCAGGC-3'